The following is an entry in ClinVar:

NM_024757.5(EHMT1):c.737G>A (p.Arg246Gln)

Gene: EHMT1 (euchromatic histone lysine methyltransferase 1; plus strand). Cytogenetic location: 9q34.3.
Variant type: single nucleotide variant.
Coding change: c.737G>A on transcript NM_024757.5 (MANE Select); coding-DNA position 737, G replaced by A.
Protein change: p.Arg246Gln; replaces arginine 246 with glutamine.
Molecular consequence: missense variant.
Genome position (GRCh38, 1-based): chr9:137,728,443, G>A. VCF-style: chr9-137728443-G-A. GRCh37 (hg19) VCF-style: chr9-140622895-G-A.
Other names: c.737G>A, p.Arg246Gln (NM_001145527.2, NM_001354263.2, NM_001354611.2); c.644G>A, p.Arg215Gln (NM_001354259.2, NM_001354612.2); short protein forms R246Q, R215Q.
Identifiers: ClinVar variation 197353 (VCV000197353.50), dbSNP rs144871446, ClinGen allele CA202834.

ClinVar aggregate classification (germline): Benign/Likely benign. Review status: criteria provided, multiple submitters, no conflicts (2 of 4 stars). 9 submissions from 9 submitters: Benign (2); Likely benign (7). Last evaluated 2026-08-01.

Conditions:
Inborn genetic diseases. Identifiers: MedGen C0950123, MeSH D030342.
Kleefstra syndrome 1 (KLEFS1). Identifiers: Orphanet 261494, MedGen C0795833, MONDO:0027407, OMIM 610253.

Allele frequency attached by ClinVar (database versions not stated): 1000 Genomes Project 0.00060; 1000 Genomes Project 30x 0.00078; gnomAD 0.00092; TOPMed 0.00106; ESP Exome Variant Server 0.00108.

Submissions (9):

CeGaT Center for Human Genetics Tuebingen
Classification: Likely benign. Last evaluated: 2026-08-01. Review status: criteria provided, single submitter. Criteria: CeGaT Center For Human Genetics Tuebingen Variant Classification Criteria Version 2. Collection method: clinical testing. Allele origin: germline. Affected: yes. Observed: 5 variant alleles.
Comment: EHMT1: BP4, BS1

Labcorp Genetics (formerly Invitae), Labcorp
Classification: Likely benign for Kleefstra syndrome 1. Last evaluated: 2026-01-21. Review status: criteria provided, single submitter. Criteria: Invitae Variant Classification Sherloc (09022015). Collection method: clinical testing. Allele origin: germline.

ARUP Laboratories, Molecular Genetics and Genomics, ARUP Laboratories
Classification: Likely benign for Kleefstra syndrome 1. Last evaluated: 2025-03-06. Review status: criteria provided, single submitter. Criteria: ARUP Molecular Germline Variant Investigation Process 2024. Collection method: clinical testing. Allele origin: germline.

Blueprint Genetics
Classification: Likely benign. Last evaluated: 2024-11-13. Review status: criteria provided, single submitter. Criteria: ACMG Guidelines, 2015. Collection method: clinical testing. Allele origin: germline.

Ambry Genetics
Classification: Benign for Inborn genetic diseases. Last evaluated: 2022-01-07. Review status: criteria provided, single submitter. Criteria: Ambry Variant Classification Scheme 2023. Collection method: clinical testing. Allele origin: germline.

Mendelics
Classification: Likely benign for Kleefstra syndrome 1. Last evaluated: 2019-05-28. Review status: criteria provided, single submitter. Criteria: Mendelics Assertion Criteria 2017. Collection method: clinical testing. Allele origin: unknown.

GeneDx
Classification: Benign. Last evaluated: 2018-10-09. Review status: criteria provided, single submitter. Criteria: GeneDx Variant Classification Process June 2021. Collection method: clinical testing. Allele origin: germline. Affected: yes.

Eurofins Ntd Llc (ga)
Classification: Likely benign. Last evaluated: 2014-06-05. Review status: criteria provided, single submitter. Criteria: EGL Classification Definitions 2015. Collection method: clinical testing. Allele origin: germline. Observed: 1 variant allele, 1 heterozygote.

Breakthrough Genomics
Classification: Likely benign. Review status: criteria provided, single submitter. Criteria: ACMG Guidelines, 2015. Collection method: not provided. Allele origin: germline. Inheritance: Autosomal dominant inheritance. Affected: yes.